The following is an entry in ClinVar:

NM_015450.3(POT1):c.954_955dup (p.Gly319fs)

Gene: POT1 (protection of telomeres 1; minus strand). Cytogenetic location: 7q31.33.
Variant type: Duplication.
Coding change: c.954_955dup on transcript NM_015450.3 (MANE Select); coding-DNA positions 954 to 955, 2 bases duplicated (TG; older notation c.954_955dupTG).
Protein change: p.Gly319fs; shifts the reading frame from glycine 319.
Molecular consequence: frameshift variant. On other transcripts: non-coding transcript variant (3).
Genome position (GRCh38, 1-based): chr7:124,846,993-124,846,994, CA duplicated on the plus strand (TG on the coding strand, the reverse complement: POT1 is on the minus strand). VCF-style (leftmost placement, unchanged base first): chr7-124846992-C-CCA. GRCh37 (hg19) VCF-style: chr7-124487046-C-CCA.
Other names: c.561_562dup, p.Gly188fs (NM_001042594.2); short protein forms G319fs, G188fs.
Identifiers: ClinVar variation 1767318 (VCV001767318.4), dbSNP rs1436069277, ClinGen allele CA832772604.
Genomic context (GRCh38, chr7:124,846,992, plus strand): 5'-ATAGTCTTACTTGTAGCAGATAGCTGTTGACATCTTTCTACCTCGTATAATGATACTGAT[C>CCA]CAGAGCCTATAAAAAGGAAAAGGCAAAAAAATTAAGTCCATTACAACTTCATTGTAGAAC-3'

ClinVar aggregate classification (germline): Pathogenic. Review status: criteria provided, multiple submitters, no conflicts (2 of 4 stars). 2 submissions from 2 submitters: Pathogenic (2). Last evaluated 2025-02-18.

Conditions:
Tumor predisposition syndrome 3 (TPDS3). Also called: Melanoma, cutaneous malignant, susceptibility to, 10; Glioma susceptibility 9; LONG TELOMERE SYNDROME, POT1-RELATED; POT1 Tumor Predisposition. Identifiers: Orphanet 618, MedGen C4014476, MONDO:0014368, OMIM 615848.
Hereditary cancer-predisposing syndrome. Also called: Hereditary Cancer Syndrome; Hereditary neoplastic syndrome; Neoplastic Syndromes, Hereditary; Tumor predisposition. Identifiers: Orphanet 140162, MedGen C0027672, MeSH D009386, MONDO:0015356.

Allele frequency attached by ClinVar (database versions not stated): gnomAD 0.00001; gnomAD exomes below 0.00001; TOPMed below 0.00001.

Submissions (2):

Labcorp Genetics (formerly Invitae), Labcorp
Classification: Pathogenic for Tumor predisposition syndrome 3. Last evaluated: 2025-02-18. Review status: criteria provided, single submitter. Criteria: Invitae Variant Classification Sherloc (09022015). Collection method: clinical testing. Allele origin: germline.
Comment: This sequence change creates a premature translational stop signal (p.Gly319Valfs*9) in the POT1 gene. It is expected to result in an absent or disrupted protein product. Loss-of-function variants in POT1 are known to be pathogenic (PMID: 32155570). This variant is not present in population databases (gnomAD no frequency). This variant has not been reported in the literature in individuals affected with POT1-related conditions. ClinVar contains an entry for this variant (Variation ID: 1767318). For these reasons, this variant has been classified as Pathogenic.

Ambry Genetics
Classification: Pathogenic for Hereditary cancer-predisposing syndrome. Last evaluated: 2024-09-23. Review status: criteria provided, single submitter. Criteria: Ambry Variant Classification Scheme 2023. Collection method: clinical testing. Allele origin: germline.
Comment: The c.954_955dupTG pathogenic mutation, located in coding exon 8 of the POT1 gene, results from a duplication of TG at nucleotide position 954, causing a translational frameshift with a predicted alternate stop codon (p.G319Vfs*9). This variant is considered to be rare based on population cohorts in the Genome Aggregation Database (gnomAD). This alteration is expected to result in loss of function by premature protein truncation or nonsense-mediated mRNA decay. As such, this alteration is interpreted as a disease-causing mutation.

Literature cited by the submitters: PubMed 32155570 (cited by Labcorp Genetics (formerly Invitae), Labcorp).